The following is an entry in ClinVar:

ClinVar aggregate classification (germline): Likely benign. Review status: criteria provided, multiple submitters, no conflicts (2 of 4 stars). 3 submissions from 3 submitters: Likely benign (2). 1 of the submissions does not count toward it. Last evaluated 2026-04-01.

Conditions:
SARS1-related disorder. Also called: SARS1-related disorders; SARS1-related condition.

Allele frequency attached by ClinVar (database versions not stated): 1000 Genomes Project 30x 0.00031; 1000 Genomes Project 0.00040; TOPMed 0.00049; gnomAD exomes 0.00050 and 0.00063; ExAC 0.00058; ESP Exome Variant Server 0.00062; gnomAD 0.00069 and 0.00073.
gnomAD v4.1: 1,037 of 1,614,128 alleles (0.064%); highest among the groups gnomAD compares: Non-Finnish European, 0.079%; 1 homozygote.

Submissions (3):

CeGaT Center for Human Genetics Tuebingen
Classification: Likely benign. Last evaluated: 2026-04-01. Review status: criteria provided, single submitter. Criteria: CeGaT Center For Human Genetics Tuebingen Variant Classification Criteria Version 2. Collection method: clinical testing. Allele origin: germline. Affected: yes. Observed: 1 variant allele.
Comment: SARS1: BP4, BP7

Labcorp Genetics (formerly Invitae), Labcorp
Classification: Likely benign. Last evaluated: 2019-12-31. Review status: criteria provided, single submitter. Criteria: Invitae Variant Classification Sherloc (09022015). Collection method: clinical testing. Allele origin: germline.

PreventionGenetics, part of Exact Sciences
Classification: Likely benign for SARS1-related condition. Last evaluated: 2019-06-06. Review status: no assertion criteria provided. Collection method: clinical testing. Allele origin: germline. Not counted in ClinVar's aggregate classification.
Comment: This variant is classified as likely benign based on ACMG/AMP sequence variant interpretation guidelines (Richards et al. 2015 PMID: 25741868, with internal and published modifications).

NM_006513.4(SARS1):c.891G>T (p.Leu297=)

Gene: SARS1 (seryl-tRNA synthetase 1; plus strand). Cytogenetic location: 1p13.3.
Variant type: single nucleotide variant.
Coding change: c.891G>T on transcript NM_006513.4 (MANE Select); coding-DNA position 891, G replaced by T.
Protein change: p.Leu297=; no amino-acid change (leucine 297 retained).
Molecular consequence: synonymous variant.
Genome position (GRCh38, 1-based): chr1:109,235,353, G>T. VCF-style: chr1-109235353-G-T. GRCh37 (hg19) VCF-style: chr1-109777975-G-T.
Other names: c.891G>T (NM_006513.3); c.891G>T, p.Leu297= (NM_001330669.1).
Identifiers: ClinVar variation 714605 (VCV000714605.8), dbSNP rs145465105, ClinGen allele CA986104.